The following is an entry in ClinVar:

ClinVar aggregate classification (germline): Likely benign (1 of 4 stars; one submission).

Allele frequency attached by ClinVar (database versions not stated): gnomAD exomes below 0.00001; gnomAD 0.00001.
gnomAD v4.1: 8 of 1,614,084 alleles (0.0005%); highest among the groups gnomAD compares: Non-Finnish European, 0.00042%; no homozygotes.

Submission:

CeGaT Center for Human Genetics Tuebingen
Classification: Likely benign. Last evaluated: 2023-01-01. Review status: criteria provided, single submitter. Criteria: CeGaT Center For Human Genetics Tuebingen Variant Classification Criteria Version 2. Collection method: clinical testing. Allele origin: germline. Affected: yes. Observed: 1 variant allele.
Comment: WASHC5: BP4, BP7

NM_014846.4(WASHC5):c.3258G>A (p.Gln1086=)

Genes: WASHC5 (WASH complex subunit 5; minus strand), LOC126860498 (P300/CBP strongly-dependent group 1 enhancer GRCh37_chr8:126043836-126045035; plus strand). Cytogenetic location: 8q24.13.
Variant type: single nucleotide variant.
Coding change: c.3258G>A on transcript NM_014846.4 (MANE Select); coding-DNA position 3258, G replaced by A.
Protein change: p.Gln1086=; no amino-acid change (glutamine 1086 retained).
Molecular consequence: synonymous variant.
Genome position (GRCh38, 1-based): chr8:125,032,318, C>T on the plus strand (G>A on the coding strand, the complement: WASHC5 is on the minus strand). VCF-style: chr8-125032318-C-T. GRCh37 (hg19) VCF-style: chr8-126044560-C-T.
Other names: c.2814G>A, p.Gln938= (NM_001330609.2).
Identifiers: ClinVar variation 2658800 (VCV002658800.24), dbSNP rs1239445411, ClinGen allele CA462767039.